The following is an entry in ClinVar:

NM_182961.4(SYNE1):c.10051A>G (p.Thr3351Ala)

Gene: SYNE1 (spectrin repeat containing nuclear envelope protein 1; minus strand). Cytogenetic location: 6q25.2.
Variant type: single nucleotide variant.
Coding change: c.10051A>G on transcript NM_182961.4 (MANE Select); coding-DNA position 10051, A replaced by G.
Protein change: p.Thr3351Ala; replaces threonine 3351 with alanine.
Molecular consequence: missense variant.
Genome position (GRCh38, 1-based): chr6:152,364,941, T>C on the plus strand (A>G on the coding strand, the complement: SYNE1 is on the minus strand). VCF-style: chr6-152364941-T-C. GRCh37 (hg19) VCF-style: chr6-152686076-T-C.
Other names: c.10072A>G, p.Thr3358Ala (NM_033071.5); short protein forms T3351A, T3358A.
Identifiers: ClinVar variation 1353524 (VCV001353524.6), dbSNP rs2097039682, ClinGen allele CA366132970.
Genomic context (GRCh38, chr6:152,364,941, plus strand): 5'-CCCACATATCCTTCACACTCTGCAGCTGCTGCTGAATAGTGGGAATGCCTTCTGGAGAAG[T>C]ATTCTGAAGGACAGATTCTCCCCTGGTCACTATCATTTTCATCTGAATCTCTTTTTCCTG-3'
Protein context (NP_892006.3, residues 3341-3361): VTRGESVLQN[Thr3351Ala]SPEGIPTIQQ

ClinVar aggregate classification (germline): Uncertain significance (1 of 4 stars; one submission).

Conditions:
Autosomal recessive ataxia, Beauce type. Also called: SYNE1-Related Autosomal Recessive Cerebellar Ataxia; SYNE1 Deficiency; Spinocerebellar ataxia, autosomal recessive 8; ATAXIA, RECESSIVE, OF BEAUCE. Identifiers: Orphanet 88644, MedGen C1853116, MONDO:0012549, OMIM 610743.
Emery-Dreifuss muscular dystrophy 4, autosomal dominant (EDMD4). Also called: EMERY-DREIFUSS MUSCULAR DYSTROPHY 4 WITH VARIABLE FEATURES. Identifiers: Orphanet 261, MedGen C2751807, MONDO:0013071, OMIM 612998.

Submission:

Labcorp Genetics (formerly Invitae), Labcorp
Classification: Uncertain significance for Emery-Dreifuss muscular dystrophy 4, autosomal dominant; Autosomal recessive ataxia, Beauce type. Last evaluated: 2021-08-17. Review status: criteria provided, single submitter. Criteria: Invitae Variant Classification Sherloc (09022015). Collection method: clinical testing. Allele origin: germline.
Comment: In summary, the available evidence is currently insufficient to determine the role of this variant in disease. Therefore, it has been classified as a Variant of Uncertain Significance. Algorithms developed to predict the effect of missense changes on protein structure and function are either unavailable or do not agree on the potential impact of this missense change (SIFT: "Deleterious"; PolyPhen-2: "Benign"; Align-GVGD: "Class C55"). This variant has not been reported in the literature in individuals affected with SYNE1-related conditions. This variant is not present in population databases (ExAC no frequency). This sequence change replaces threonine with alanine at codon 3358 of the SYNE1 protein (p.Thr3358Ala). The threonine residue is highly conserved and there is a small physicochemical difference between threonine and alanine.